The following is an entry in ClinVar:

ClinVar aggregate classification (germline): Uncertain significance. Review status: criteria provided, multiple submitters, no conflicts (2 of 4 stars). 2 submissions from 2 submitters: Uncertain significance (2). Last evaluated 2025-11-21.

Conditions:
Cardiovascular phenotype. Identifiers: MedGen CN230736.
Hereditary cancer-predisposing syndrome. Also called: Neoplastic Syndromes, Hereditary; Tumor predisposition; Hereditary Cancer Syndrome; Hereditary neoplastic syndrome. Identifiers: Orphanet 140162, MedGen C0027672, MeSH D009386, MONDO:0015356.

Submissions (2):

Labcorp Genetics (formerly Invitae), Labcorp
Classification: Uncertain significance. Last evaluated: 2025-11-21. Review status: criteria provided, single submitter. Criteria: Invitae Variant Classification Sherloc (09022015). Collection method: clinical testing. Allele origin: germline.
Comment: This sequence change replaces valine, which is neutral and non-polar, with phenylalanine, which is neutral and non-polar, at codon 581 of the LZTR1 protein (p.Val581Phe). This variant is not present in population databases (gnomAD no frequency). This variant has not been reported in the literature in individuals affected with LZTR1-related conditions. ClinVar contains an entry for this variant (Variation ID: 1779209). Invitae Evidence Modeling of protein sequence and biophysical properties (such as structural, functional, and spatial information, amino acid conservation, physicochemical variation, residue mobility, and thermodynamic stability) indicates that this missense variant is not expected to disrupt LZTR1 protein function with a negative predictive value of 80%. In summary, the available evidence is currently insufficient to determine the role of this variant in disease. Therefore, it has been classified as a Variant of Uncertain Significance.

Ambry Genetics
Classification: Uncertain significance for Cardiovascular phenotype; Hereditary cancer-predisposing syndrome. Last evaluated: 2022-10-30. Review status: criteria provided, single submitter. Criteria: Ambry Variant Classification Scheme 2023. Collection method: clinical testing. Allele origin: germline.
Comment: The p.V581F variant (also known as c.1741G>T), located in coding exon 15 of the LZTR1 gene, results from a G to T substitution at nucleotide position 1741. The valine at codon 581 is replaced by phenylalanine, an amino acid with highly similar properties. This amino acid position is conserved. In addition, this alteration is predicted to be tolerated by in silico analysis. Since supporting evidence is limited at this time, the clinical significance of this alteration remains unclear.

NM_006767.4(LZTR1):c.1741G>T (p.Val581Phe)

Gene: LZTR1 (leucine zipper like post translational regulator 1; plus strand). Cytogenetic location: 22q11.21.
Variant type: single nucleotide variant.
Coding change: c.1741G>T on transcript NM_006767.4 (MANE Select); coding-DNA position 1741, G replaced by T.
Protein change: p.Val581Phe; replaces valine 581 with phenylalanine.
Molecular consequence: missense variant.
Genome position (GRCh38, 1-based): chr22:20,994,683, G>T. VCF-style: chr22-20994683-G-T. GRCh37 (hg19) VCF-style: chr22-21348972-G-T.
Other names: short protein forms V581F.
Identifiers: ClinVar variation 1779209 (VCV001779209.4), dbSNP rs2518621953, ClinGen allele CA410778191.